The following is an entry in ClinVar:

ClinVar aggregate classification (germline): Likely benign. Review status: criteria provided, multiple submitters, no conflicts (2 of 4 stars). 2 submissions from 2 submitters: Likely benign (2). Last evaluated 2026-05-04.

Conditions:
EIF2AK4-related disorder. Also called: EIF2AK4-related condition.

Allele frequency attached by ClinVar (database versions not stated): ExAC 0.00001; gnomAD 0.00001; TOPMed 0.00002; gnomAD exomes 0.00006.
gnomAD v4.1: 93 of 1,613,812 alleles (0.0058%); highest among the groups gnomAD compares: Non-Finnish European, 0.0075%; no homozygotes.

Submissions (2):

PreventionGenetics, part of Exact Sciences
Classification: Likely benign for EIF2AK4-related condition. Last evaluated: 2026-05-04. Review status: criteria provided, single submitter. Criteria: ACMG Guidelines, 2015. Collection method: clinical testing. Allele origin: germline.
Comment: This variant is classified as likely benign based on ACMG/AMP sequence variant interpretation guidelines (Richards et al. 2015 PMID: 25741868, with internal and published modifications).

Labcorp Genetics (formerly Invitae), Labcorp
Classification: Likely benign. Last evaluated: 2023-12-12. Review status: criteria provided, single submitter. Criteria: Invitae Variant Classification Sherloc (09022015). Collection method: clinical testing. Allele origin: germline.

NM_001013703.4(EIF2AK4):c.4392T>G (p.Val1464=)

Gene: EIF2AK4 (eukaryotic translation initiation factor 2 alpha kinase 4; plus strand). Cytogenetic location: 15q15.1.
Variant type: single nucleotide variant.
Coding change: c.4392T>G on transcript NM_001013703.4 (MANE Select); coding-DNA position 4392, T replaced by G.
Protein change: p.Val1464=; no amino-acid change (valine 1464 retained).
Molecular consequence: synonymous variant.
Genome position (GRCh38, 1-based): chr15:40,025,979, T>G. VCF-style: chr15-40025979-T-G. GRCh37 (hg19) VCF-style: chr15-40318180-T-G.
Other names: c.4392T>G (NM_001013703.3).
Identifiers: ClinVar variation 2756824 (VCV002756824.4), dbSNP rs771088792, ClinGen allele CA7474615.